The following is an entry in ClinVar:

ClinVar aggregate classification (germline): Uncertain significance. Review status: criteria provided, multiple submitters, no conflicts (2 of 4 stars). 6 submissions from 6 submitters: Uncertain significance (6). Last evaluated 2026-08-01.

Conditions:
Endometrial carcinoma. Also called: Endometrial carcinoma, somatic. Identifiers: MedGen C0476089, MONDO:0002447, OMIM 608089, HP:0012114.
Familial adenomatous polyposis 4 (FAP4). Also called: MSH3-related attenuated familial adenomatous polyposis. Identifiers: Orphanet 480536, MedGen C4310719, MONDO:0044300, OMIM 617100.
MSH3-related disorder. Also called: MSH3-related condition.
Hereditary cancer-predisposing syndrome. Also called: Neoplastic Syndromes, Hereditary; Tumor predisposition; Hereditary neoplastic syndrome; Hereditary Cancer Syndrome. Identifiers: Orphanet 140162, MedGen C0027672, MeSH D009386, MONDO:0015356.

Allele frequency attached by ClinVar (database versions not stated): gnomAD exomes 0.00005; ExAC 0.00008; 1000 Genomes Project 30x 0.00016; 1000 Genomes Project 0.00020; ESP Exome Variant Server 0.00023; TOPMed 0.00025.
gnomAD v4.1: 48 of 1,588,870 alleles (0.003%); highest among the groups gnomAD compares: African/African-American, 0.064%; no homozygotes.

Submissions (6):

PreventionGenetics, part of Exact Sciences
Classification: Uncertain significance for MSH3-related condition. Last evaluated: 2026-08-01. Review status: criteria provided, single submitter. Criteria: ACMG Guidelines, 2015. Collection method: clinical testing. Allele origin: germline.
Comment: The MSH3 c.2290A>T variant is predicted to result in the amino acid substitution p.Ile764Leu. To our knowledge, this variant has not been reported in the literature. It is reported in 0.065% of alleles in individuals of African descent in gnomAD and is classified as uncertain in ClinVar (Variation ID: 639231). Although we suspect that this variant may be benign, at this time, the clinical significance of this variant is uncertain due to the absence of conclusive functional and genetic evidence.

Labcorp Genetics (formerly Invitae), Labcorp
Classification: Uncertain significance. Last evaluated: 2026-01-13. Review status: criteria provided, single submitter. Criteria: Invitae Variant Classification Sherloc (09022015). Collection method: clinical testing. Allele origin: germline.
Comment: This sequence change replaces isoleucine, which is neutral and non-polar, with leucine, which is neutral and non-polar, at codon 764 of the MSH3 protein (p.Ile764Leu). This variant is present in population databases (rs146657445, gnomAD 0.06%). This variant has not been reported in the literature in individuals affected with MSH3-related conditions. ClinVar contains an entry for this variant (Variation ID: 639231). An algorithm developed to predict the effect of missense changes on protein structure and function (PolyPhen-2) suggests that this variant is likely to be tolerated. In summary, the available evidence is currently insufficient to determine the role of this variant in disease. Therefore, it has been classified as a Variant of Uncertain Significance.

Ambry Genetics
Classification: Uncertain significance for Hereditary cancer-predisposing syndrome. Last evaluated: 2025-04-16. Review status: criteria provided, single submitter. Criteria: Ambry Variant Classification Scheme 2023. Collection method: clinical testing. Allele origin: germline.
Comment: The p.I764L variant (also known as c.2290A>T), located in coding exon 16 of the MSH3 gene, results from an A to T substitution at nucleotide position 2290. The isoleucine at codon 764 is replaced by leucine, an amino acid with highly similar properties. This amino acid position is not well conserved in available vertebrate species. In addition, this alteration is predicted to be tolerated by in silico analysis. Based on the available evidence, the clinical significance of this variant remains unclear.

GeneDx
Classification: Uncertain significance. Last evaluated: 2024-05-17. Review status: criteria provided, single submitter. Criteria: GeneDx Variant Classification Process June 2021. Collection method: clinical testing. Allele origin: germline.
Comment: In silico analysis indicates that this missense variant does not alter protein structure/function; Has not been previously published as pathogenic or benign to our knowledge

Baylor Genetics
Classification: Uncertain significance for Endometrial carcinoma. Last evaluated: 2024-03-27. Review status: criteria provided, single submitter. Criteria: ACMG Guidelines, 2015. Collection method: clinical testing. Allele origin: unknown.

Department of Pathology and Laboratory Medicine, Sinai Health System
Classification: Uncertain significance for Endometrial carcinoma; Familial adenomatous polyposis 4. Last evaluated: 2023-10-06. Review status: criteria provided, single submitter. Criteria: ACMG Guidelines, 2015. Collection method: clinical testing. Allele origin: germline. Affected: yes.

NM_002439.5(MSH3):c.2290A>T (p.Ile764Leu)

Gene: MSH3 (mutS homolog 3; plus strand). Cytogenetic location: 5q14.1.
Variant type: single nucleotide variant.
Coding change: c.2290A>T on transcript NM_002439.5 (MANE Select); coding-DNA position 2290, A replaced by T.
Protein change: p.Ile764Leu; replaces isoleucine 764 with leucine.
Molecular consequence: missense variant.
Genome position (GRCh38, 1-based): chr5:80,775,730, A>T. VCF-style: chr5-80775730-A-T. GRCh37 (hg19) VCF-style: chr5-80071549-A-T.
Other names: short protein forms I764L.
Identifiers: ClinVar variation 639231 (VCV000639231.21), dbSNP rs146657445, ClinGen allele CA3328191.
Genomic context (GRCh38, chr5:80,775,730, plus strand): 5'-TCTGTTTATTTGTATTTGTTTTAGTTTATGATAGAAATAAAGAACTCTGCTGTATCTTGT[A>T]TACCAACTGATTGGGTAAAGGTTGGAAGGTAGGTTTAAAATAAATTTTTTTCTTACAATG-3'
Protein context (NP_002430.3, residues 754-774): IEIKNSAVSC[Ile764Leu]PTDWVKVGST